The following is an entry in ClinVar:

NM_000222.3(KIT):c.1411A>C (p.Lys471Gln)

Gene: KIT (KIT proto-oncogene, receptor tyrosine kinase; plus strand). Cytogenetic location: 4q12.
Variant type: single nucleotide variant.
Coding change: c.1411A>C on transcript NM_000222.3 (MANE Select); coding-DNA position 1411, A replaced by C.
Protein change: p.Lys471Gln; replaces lysine 471 with glutamine.
Molecular consequence: missense variant.
Genome position (GRCh38, 1-based): chr4:54,725,921, A>C. VCF-style: chr4-54725921-A-C. GRCh37 (hg19) VCF-style: chr4-55592087-A-C.
Other names: c.1411A>C, p.Lys471Gln (NM_001093772.2, NM_001385285.1, NM_001385286.1); c.1414A>C, p.Lys472Gln (NM_001385284.1, NM_001385288.1, NM_001385290.1 and 1 more transcripts); short protein forms K471Q, K472Q.
Identifiers: ClinVar variation 567774 (VCV000567774.14), dbSNP rs1471406283, ClinGen allele CA356906334.

ClinVar aggregate classification (germline): Conflicting classifications of pathogenicity. Review status: criteria provided, conflicting classifications (1 of 4 stars). 3 submissions from 3 submitters: Uncertain significance (2); Likely benign (1). Last evaluated 2025-03-25.

Conditions:
Hereditary cancer-predisposing syndrome. Also called: Hereditary neoplastic syndrome; Neoplastic Syndromes, Hereditary; Hereditary Cancer Syndrome; Tumor predisposition. Identifiers: Orphanet 140162, MedGen C0027672, MeSH D009386, MONDO:0015356.
Gastrointestinal stromal tumor. Also called: Gastrointestinal stromal tumor, somatic; Gastrointestinal stroma tumor. Identifiers: Orphanet 44890, MedGen C0238198, MeSH D046152, MONDO:0011719, OMIM 606764, HP:0100723.

Allele frequency attached by ClinVar (database versions not stated): gnomAD exomes below 0.00001; TOPMed below 0.00001.
gnomAD v4.1: 2 of 1,614,152 alleles (0.00012%); no homozygotes.

Submissions (3):

Labcorp Genetics (formerly Invitae), Labcorp
Classification: Uncertain significance for Gastrointestinal stromal tumor. Last evaluated: 2025-03-25. Review status: criteria provided, single submitter. Criteria: Invitae Variant Classification Sherloc (09022015). Collection method: clinical testing. Allele origin: germline.
Comment: This sequence change replaces lysine, which is basic and polar, with glutamine, which is neutral and polar, at codon 471 of the KIT protein (p.Lys471Gln). This variant is present in population databases (no rsID available, gnomAD 0.01%). This variant has not been reported in the literature in individuals affected with KIT-related conditions. ClinVar contains an entry for this variant (Variation ID: 567774). An algorithm developed to predict the effect of missense changes on protein structure and function (PolyPhen-2) suggests that this variant is likely to be tolerated. In summary, the available evidence is currently insufficient to determine the role of this variant in disease. Therefore, it has been classified as a Variant of Uncertain Significance.

Ambry Genetics
Classification: Likely benign for Hereditary cancer-predisposing syndrome. Last evaluated: 2024-03-08. Review status: criteria provided, single submitter. Criteria: Ambry Variant Classification Scheme 2023. Collection method: clinical testing. Allele origin: germline.

Baylor Genetics
Classification: Uncertain significance for Gastrointestinal stromal tumor. Last evaluated: 2023-05-04. Review status: criteria provided, single submitter. Criteria: ACMG Guidelines, 2015. Collection method: clinical testing. Allele origin: unknown.